The following is an entry in ClinVar:

ClinVar aggregate classification (germline): Benign/Likely benign. Review status: criteria provided, multiple submitters, no conflicts (2 of 4 stars). 4 submissions from 4 submitters: Benign (1); Likely benign (1). 2 of the submissions do not count toward it. Last evaluated 2026-02-01.

Conditions:
Amyotrophic lateral sclerosis type 1 (ALS1). Also called: AMYOTROPHIC LATERAL SCLEROSIS 1, FAMILIAL. Identifiers: Orphanet 803, MedGen C1862939, MONDO:0007103, OMIM 105400.

Allele frequency attached by ClinVar (database versions not stated): ESP Exome Variant Server 0.00008; ExAC 0.00045; gnomAD exomes 0.00050; gnomAD 0.00051 and 0.00053; TOPMed 0.00053.
gnomAD v4.1: 1,062 of 1,610,726 alleles (0.066%); highest among the groups gnomAD compares: South Asian, 0.1%; 3 homozygotes.

Submissions (4):

CeGaT Center for Human Genetics Tuebingen
Classification: Likely benign. Last evaluated: 2026-02-01. Review status: criteria provided, single submitter. Criteria: CeGaT Center For Human Genetics Tuebingen Variant Classification Criteria Version 2. Collection method: clinical testing. Allele origin: germline. Affected: yes. Observed: 5 variant alleles.
Comment: SOD1: BP4, BS1

Labcorp Genetics (formerly Invitae), Labcorp
Classification: Benign for Amyotrophic lateral sclerosis type 1. Last evaluated: 2025-12-31. Review status: criteria provided, single submitter. Criteria: Invitae Variant Classification Sherloc (09022015). Collection method: clinical testing. Allele origin: germline.

Genome Diagnostics Laboratory, Amsterdam University Medical Center
Classification: Likely benign. Review status: no assertion criteria provided. Collection method: clinical testing. Allele origin: germline. Affected: yes. Study: VKGL Data-share Consensus. Not counted in ClinVar's aggregate classification.

Genome Diagnostics Laboratory, University Medical Center Utrecht
Classification: Likely benign. Review status: no assertion criteria provided. Collection method: clinical testing. Allele origin: germline. Affected: yes. Study: VKGL Data-share Consensus. Not counted in ClinVar's aggregate classification.

NM_000454.5(SOD1):c.72+19G>A

Genes: SOD1 (superoxide dismutase 1; plus strand), SOD1-DT (SOD1 divergent transcript; minus strand). Cytogenetic location: 21q22.11.
Variant type: single nucleotide variant.
Coding change: c.72+19G>A on transcript NM_000454.5 (MANE Select); 19 bases into the intron after coding-DNA position 72, G replaced by A.
Molecular consequence: intron variant.
Genome position (GRCh38, 1-based): chr21:31,659,860, G>A. VCF-style: chr21-31659860-G-A. GRCh37 (hg19) VCF-style: chr21-33032173-G-A.
Identifiers: ClinVar variation 1328020 (VCV001328020.33), dbSNP rs201574089, ClinGen allele CA9998864.